The following is an entry in ClinVar:

ClinVar aggregate classification (germline): Uncertain significance. Review status: criteria provided, multiple submitters, no conflicts (2 of 4 stars). 2 submissions from 2 submitters: Uncertain significance (2). Last evaluated 2026-02-16.

Conditions:
CEP164-related disorder. Also called: CEP164-related condition.
Nephronophthisis 15 (NPHP15). Identifiers: Orphanet 3156, MedGen C3541853, MONDO:0013917, OMIM 614845.

Allele frequency attached by ClinVar (database versions not stated): gnomAD exomes 0.00001; ExAC 0.00002; gnomAD 0.00002 and 0.00003.
gnomAD v4.1: 22 of 1,613,614 alleles (0.0014%); highest among the groups gnomAD compares: East Asian, 0.0045%; no homozygotes.

Submissions (2):

PreventionGenetics, part of Exact Sciences
Classification: Uncertain significance for CEP164-related condition. Last evaluated: 2026-02-16. Review status: criteria provided, single submitter. Criteria: ACMG Guidelines, 2015. Collection method: clinical testing. Allele origin: germline.
Comment: The CEP164 c.3989C>T variant is predicted to result in the amino acid substitution p.Thr1330Met. To our knowledge, this variant has not been reported in the literature. This variant is reported in 0.0054% of alleles in individuals of East Asian descent in gnomAD. At this time, the clinical significance of this variant is uncertain due to the absence of conclusive functional and genetic evidence.

Labcorp Genetics (formerly Invitae), Labcorp
Classification: Uncertain significance for Nephronophthisis 15. Last evaluated: 2025-01-08. Review status: criteria provided, single submitter. Criteria: Invitae Variant Classification Sherloc (09022015). Collection method: clinical testing. Allele origin: germline.
Comment: This sequence change replaces threonine, which is neutral and polar, with methionine, which is neutral and non-polar, at codon 1330 of the CEP164 protein (p.Thr1330Met). This variant is present in population databases (rs774641136, gnomAD 0.006%). This variant has not been reported in the literature in individuals affected with CEP164-related conditions. ClinVar contains an entry for this variant (Variation ID: 1415418). Invitae Evidence Modeling of protein sequence and biophysical properties (such as structural, functional, and spatial information, amino acid conservation, physicochemical variation, residue mobility, and thermodynamic stability) indicates that this missense variant is not expected to disrupt CEP164 protein function with a negative predictive value of 80%. In summary, the available evidence is currently insufficient to determine the role of this variant in disease. Therefore, it has been classified as a Variant of Uncertain Significance.

NM_014956.5(CEP164):c.3989C>T (p.Thr1330Met)

Gene: CEP164 (centrosomal protein 164; plus strand). Cytogenetic location: 11q23.3.
Variant type: single nucleotide variant.
Coding change: c.3989C>T on transcript NM_014956.5 (MANE Select); coding-DNA position 3989, C replaced by T.
Protein change: p.Thr1330Met; replaces threonine 1330 with methionine.
Molecular consequence: missense variant.
Genome position (GRCh38, 1-based): chr11:117,409,858, C>T. VCF-style: chr11-117409858-C-T. GRCh37 (hg19) VCF-style: chr11-117280574-C-T.
Other names: c.3974C>T, p.Thr1325Met (NM_001271933.2); c.3989C>T (NM_014956.4); short protein forms T1325M, T1330M.
Identifiers: ClinVar variation 1415418 (VCV001415418.7), dbSNP rs774641136, ClinGen allele CA6295635.